The following is an entry in ClinVar:

ClinVar aggregate classification (germline): Conflicting classifications of pathogenicity. Review status: criteria provided, conflicting classifications (1 of 4 stars). 4 submissions from 3 submitters: Uncertain significance (1); Benign (2); Likely benign (1). Last evaluated 2025-10-13.

Conditions:
Cone-rod dystrophy 10 (CORD10). Identifiers: Orphanet 1872, MedGen C1846529, MONDO:0012464, OMIM 610283.
Retinitis pigmentosa (RP). Identifiers: Orphanet 791, MedGen C0035334, MeSH D012174, MONDO:0019200, OMIM 268000. Inheritance: Autosomal dominant, autosomal recessive and X linked inheritance.

Allele frequency attached by ClinVar (database versions not stated): ExAC 0.00057; gnomAD 0.00121 and 0.00128; TOPMed 0.00134; 1000 Genomes Project 30x 0.00156; ESP Exome Variant Server 0.00177; 1000 Genomes Project 0.00200.
gnomAD v4.1: 358 of 1,606,602 alleles (0.022%); highest among the groups gnomAD compares: African/African-American, 0.42%; 1 homozygote.

Submissions (4):

Labcorp Genetics (formerly Invitae), Labcorp
Classification: Benign. Last evaluated: 2025-10-13. Review status: criteria provided, single submitter. Criteria: Invitae Variant Classification Sherloc (09022015). Collection method: clinical testing. Allele origin: germline.

Blueprint Genetics
Classification: Likely benign. Last evaluated: 2024-02-19. Review status: criteria provided, single submitter. Criteria: ACMG Guidelines, 2015. Collection method: clinical testing. Allele origin: germline.

Illumina Laboratory Services, Illumina
Classification: Uncertain significance for Cone-rod dystrophy 10. Last evaluated: 2018-01-12. Review status: criteria provided, single submitter. Criteria: ICSL Variant Classification Criteria 13 December 2019. Collection method: clinical testing. Allele origin: germline.

Illumina Laboratory Services, Illumina
Classification: Benign for Retinitis pigmentosa. Last evaluated: 2018-01-12. Review status: criteria provided, single submitter. Criteria: ICSL Variant Classification Criteria 13 December 2019. Collection method: clinical testing. Allele origin: germline.
Comment: This variant was observed in the ICSL laboratory as part of a predisposition screen in an ostensibly healthy population. It had not been previously curated by ICSL or reported in the Human Gene Mutation Database (HGMD: prior to June 1st, 2018), and was therefore a candidate for classification through an automated scoring system. Utilizing variant allele frequency, disease prevalence and penetrance estimates, and inheritance mode, an automated score was calculated to assess if this variant is too frequent to cause the disease. Based on the score and internal cut-off values, a variant classified as benign is not then subjected to further curation. The score for this variant resulted in a classification of benign for this disease.

NM_022367.4(SEMA4A):c.1682G>A (p.Arg561His)

Gene: SEMA4A (semaphorin 4A; plus strand). Cytogenetic location: 1q22.
Variant type: single nucleotide variant.
Coding change: c.1682G>A on transcript NM_022367.4 (MANE Select); coding-DNA position 1682, G replaced by A.
Protein change: p.Arg561His; replaces arginine 561 with histidine.
Molecular consequence: missense variant.
Genome position (GRCh38, 1-based): chr1:156,175,645, G>A. VCF-style: chr1-156175645-G-A. GRCh37 (hg19) VCF-style: chr1-156145436-G-A.
Other names: c.1682G>A, p.Arg561His (NM_001193300.2, NM_001193301.2, NM_001370567.1); c.1286G>A, p.Arg429His (NM_001193302.2); c.1385G>A, p.Arg462His (NM_001370568.1); c.1175G>A, p.Arg392His (NM_001370569.1, NM_001370571.1); short protein forms R429H, R561H, R392H, R462H.
Identifiers: ClinVar variation 767709 (VCV000767709.15), dbSNP rs146011929, ClinGen allele CA1155432.